The following is an entry in ClinVar:

ClinVar aggregate classification (germline): Uncertain significance (3 of 4 stars; one submission).

Conditions:
Open-angle glaucoma. Identifiers: MedGen C0017612, MONDO:0005338, HP:0012108.

Allele frequency attached by ClinVar (database versions not stated): gnomAD exomes below 0.00001; TOPMed 0.00001.

Submission:

ClinGen Glaucoma Variant Curation Expert Panel
Classification: Uncertain significance for Open-angle glaucoma. Last evaluated: 2025-10-08. Review status: reviewed by expert panel. Criteria: ClinGen Glaucoma ACMG Specifications V2.0.0 Approved. Collection method: curation. Allele origin: germline. Inheritance: Autosomal dominant inheritance.
Comment: The c.849G>A variant in MYOC is a synonymous variant (p.Glu283=). The highest minor allele frequency of this variant was in the South Asian genetic ancestry group of gnomAD (v4.1.0) = 0.00001099 (1 allele out of 90,988), which met the ≤ 0.0001 threshold set for PM2_Supporting in a genetic ancestry group of at least 10,000 alleles. The SpliceAI score = 0, which met the ≤ 0.1 threshold for BP4, suggesting that the variant does not impact MYOC function. This synonymous variant meets BP4, so BP7 is met. There was no functional evidence predicting a damaging or benign impact of this variant on MYOC function. Only 1 proband with primary open angle glaucoma had been reported (F. Pasutto pers. comm.), not meeting the ≥ 2 probands threshold required to meet PS4_Supporting. In summary, this variant met the criteria to receive a score of -1 and to be classified as a variant of uncertain significance (uncertain significance classification range -1 to 5, adapted from PMID: 32720330) for primary open angle glaucoma based on the ACMG/AMP criteria met, as specified by the ClinGen Glaucoma VCEP (v2.0.0, 5 Dec 2024): PM2_Supporting, BP4, BP7

NM_000261.2(MYOC):c.849G>A (p.Glu283=)

Gene: MYOC (myocilin; minus strand). Cytogenetic location: 1q24.3.
Variant type: single nucleotide variant.
Coding change: c.849G>A on transcript NM_000261.2 (MANE Select); coding-DNA position 849, G replaced by A.
Protein change: p.Glu283=; no amino-acid change (glutamic acid 283 retained).
Molecular consequence: synonymous variant.
Genome position (GRCh38, 1-based): chr1:171,636,591, C>T on the plus strand (G>A on the coding strand, the complement: MYOC is on the minus strand). VCF-style: chr1-171636591-C-T. GRCh37 (hg19) VCF-style: chr1-171605731-C-T.
Other names: NM_000261.2:c.849G>A.
Identifiers: ClinVar variation 2442267 (VCV002442267.2), dbSNP rs1293160006, ClinGen allele CA421938925.